The following is an entry in ClinVar:

NM_013261.5(PPARGC1A):c.612A>G (p.Arg204=)

Gene: PPARGC1A (PPARG coactivator 1 alpha; minus strand). Cytogenetic location: 4p15.2.
Variant type: single nucleotide variant.
Coding change: c.612A>G on transcript NM_013261.5 (MANE Select); coding-DNA position 612, A replaced by G.
Protein change: p.Arg204=; no amino-acid change (arginine 204 retained).
Molecular consequence: synonymous variant. On other transcripts: non-coding transcript variant (7).
Genome position (GRCh38, 1-based): chr4:23,828,545, T>C on the plus strand (A>G on the coding strand, the complement: PPARGC1A is on the minus strand). VCF-style: chr4-23828545-T-C. GRCh37 (hg19) VCF-style: chr4-23830168-T-C.
Other names: c.627A>G, p.Arg209= (NM_001330751.2, NM_001354825.2, NM_001354827.2); c.576A>G, p.Arg192= (NM_001330752.2); c.231A>G, p.Arg77= (NM_001330753.2, NM_001354826.2).
Identifiers: ClinVar variation 724253 (VCV000724253.28), dbSNP rs144051054, ClinGen allele CA2875469.

ClinVar aggregate classification (germline): Likely benign. Review status: criteria provided, multiple submitters, no conflicts (2 of 4 stars). 3 submissions from 3 submitters: Likely benign (3). Last evaluated 2022-04-01.

Allele frequency attached by ClinVar (database versions not stated): ESP Exome Variant Server 0.00015; 1000 Genomes Project 30x 0.00016; ExAC 0.00017; gnomAD exomes 0.00017 and 0.00048; 1000 Genomes Project 0.00020; TOPMed 0.00023; gnomAD 0.00025 and 0.00026.
gnomAD v4.1: 722 of 1,614,162 alleles (0.045%); highest among the groups gnomAD compares: Non-Finnish European, 0.059%; no homozygotes.

Submissions (3):

CeGaT Center for Human Genetics Tuebingen
Classification: Likely benign. Last evaluated: 2022-04-01. Review status: criteria provided, single submitter. Criteria: CeGaT Center For Human Genetics Tuebingen Variant Classification Criteria Version 2. Collection method: clinical testing. Allele origin: germline. Affected: yes. Observed: 1 variant allele.
Comment: PPARGC1A: BP4, BP7

Labcorp Genetics (formerly Invitae), Labcorp
Classification: Likely benign. Last evaluated: 2018-07-31. Review status: criteria provided, single submitter. Criteria: Invitae Variant Classification Sherloc (09022015). Collection method: clinical testing. Allele origin: germline.

Breakthrough Genomics
Classification: Likely benign. Review status: criteria provided, single submitter. Criteria: ACMG Guidelines, 2015. Collection method: not provided. Allele origin: germline. Inheritance: Unknown mechanism. Affected: yes.